The following is an entry in ClinVar:

ClinVar aggregate classification (germline): Uncertain significance. Review status: criteria provided, multiple submitters, no conflicts (2 of 4 stars). 2 submissions from 2 submitters: Uncertain significance (2). Last evaluated 2024-07-15.

Allele frequency attached by ClinVar (database versions not stated): ExAC 0.00005; gnomAD 0.00007; gnomAD exomes 0.00007; TOPMed 0.00009; ESP Exome Variant Server 0.00024.
gnomAD v4.1: 120 of 1,613,914 alleles (0.0074%); highest among the groups gnomAD compares: Non-Finnish European, 0.0092%; 1 homozygote.

Submissions (2):

Mayo Clinic Laboratories, Mayo Clinic
Classification: Uncertain significance. Last evaluated: 2024-07-15. Review status: criteria provided, single submitter. Criteria: ACMG Guidelines, 2015. Collection method: clinical testing. Allele origin: germline. Observed: 1 variant allele.

Labcorp Genetics (formerly Invitae), Labcorp
Classification: Uncertain significance. Last evaluated: 2023-12-22. Review status: criteria provided, single submitter. Criteria: Invitae Variant Classification Sherloc (09022015). Collection method: clinical testing. Allele origin: germline.
Comment: This sequence change replaces asparagine, which is neutral and polar, with serine, which is neutral and polar, at codon 2590 of the FAT1 protein (p.Asn2590Ser). This variant is present in population databases (rs201116015, gnomAD 0.01%). This variant has not been reported in the literature in individuals affected with FAT1-related conditions. ClinVar contains an entry for this variant (Variation ID: 2200070). Advanced modeling of protein sequence and biophysical properties (such as structural, functional, and spatial information, amino acid conservation, physicochemical variation, residue mobility, and thermodynamic stability) performed at Invitae indicates that this missense variant is expected to disrupt FAT1 protein function with a positive predictive value of 80%. In summary, the available evidence is currently insufficient to determine the role of this variant in disease. Therefore, it has been classified as a Variant of Uncertain Significance.

Literature cited by the submitters: PubMed 31308072 (cited by Mayo Clinic Laboratories, Mayo Clinic).

NM_005245.4(FAT1):c.7769A>G (p.Asn2590Ser)

Gene: FAT1 (FAT atypical cadherin 1; minus strand). Cytogenetic location: 4q35.2.
Variant type: single nucleotide variant.
Coding change: c.7769A>G on transcript NM_005245.4 (MANE Select); coding-DNA position 7769, A replaced by G.
Protein change: p.Asn2590Ser; replaces asparagine 2590 with serine.
Molecular consequence: missense variant.
Genome position (GRCh38, 1-based): chr4:186,618,817, T>C on the plus strand (A>G on the coding strand, the complement: FAT1 is on the minus strand). VCF-style: chr4-186618817-T-C. GRCh37 (hg19) VCF-style: chr4-187539971-T-C.
Other names: p.Asn2590Ser; short protein forms N2590S.
Identifiers: ClinVar variation 2200070 (VCV002200070.4), dbSNP rs201116015, ClinGen allele CA3166005.